The following is an entry in ClinVar:

ClinVar aggregate classification (germline): Conflicting classifications of pathogenicity. Review status: criteria provided, conflicting classifications (1 of 4 stars). 3 submissions from 3 submitters: Uncertain significance (2); Likely benign (1). Last evaluated 2024-04-29.

Conditions:
Hereditary cancer-predisposing syndrome. Also called: Hereditary neoplastic syndrome; Tumor predisposition; Neoplastic Syndromes, Hereditary; Hereditary Cancer Syndrome. Identifiers: Orphanet 140162, MedGen C0027672, MeSH D009386, MONDO:0015356.
Hereditary breast ovarian cancer syndrome. Also called: Hereditary breast and ovarian cancer syndrome; Breast and ovarian cancer; Hereditary breast and ovarian cancer; Hereditary breast and/or ovarian cancer syndrome; Hereditary breast and ovarian cancer syndrome (HBOC); BRCA1- and BRCA2-Associated Hereditary Breast and Ovarian Cancer. Identifiers: Orphanet 145, MedGen C0677776, MeSH D061325, MONDO:0003582. Disease mechanism: loss of function.

gnomAD v4.1: 2 of 1,609,128 alleles (0.00012%); highest among the groups gnomAD compares: Non-Finnish European, 0.00017%; no homozygotes.

Submissions (3):

Labcorp Genetics (formerly Invitae), Labcorp
Classification: Uncertain significance for Hereditary breast ovarian cancer syndrome. Last evaluated: 2024-04-29. Review status: criteria provided, single submitter. Criteria: Invitae Variant Classification Sherloc (09022015). Collection method: clinical testing. Allele origin: germline.
Comment: This sequence change replaces proline, which is neutral and non-polar, with threonine, which is neutral and polar, at codon 2114 of the BRCA2 protein (p.Pro2114Thr). This variant is not present in population databases (gnomAD no frequency). This variant has not been reported in the literature in individuals affected with BRCA2-related conditions. ClinVar contains an entry for this variant (Variation ID: 1699843). Advanced modeling of protein sequence and biophysical properties (such as structural, functional, and spatial information, amino acid conservation, physicochemical variation, residue mobility, and thermodynamic stability) performed at Invitae indicates that this missense variant is not expected to disrupt BRCA2 protein function with a negative predictive value of 95%. In summary, the available evidence is currently insufficient to determine the role of this variant in disease. Therefore, it has been classified as a Variant of Uncertain Significance.

University of Washington Department of Laboratory Medicine, University of Washington
Classification: Likely benign for Hereditary cancer-predisposing syndrome. Last evaluated: 2023-03-23. Review status: criteria provided, single submitter. Criteria: Dines et al. (Genet Med. 2020). Collection method: curation. Allele origin: germline.
Comment: Missense variant in a coldspot region where missense variants are very unlikely to be pathogenic (PMID:31911673).

BRCA2 exon 11 coldspot. Reclassification based on statistical prior probability.

GeneDx
Classification: Uncertain significance. Last evaluated: 2022-01-28. Review status: criteria provided, single submitter. Criteria: GeneDx Variant Classification Process June 2021. Collection method: clinical testing. Allele origin: germline. Affected: yes.
Comment: Not observed at significant frequency in large population cohorts (gnomAD); In silico analysis supports that this missense variant does not alter protein structure/function; Has not been previously published as pathogenic or benign to our knowledge; Also known as 2342C>A

NM_000059.4(BRCA2):c.6340C>A (p.Pro2114Thr)

Gene: BRCA2 (BRCA2 DNA repair associated; plus strand). Cytogenetic location: 13q13.1.
Variant type: single nucleotide variant.
Coding change: c.6340C>A on transcript NM_000059.4 (MANE Select); coding-DNA position 6340, C replaced by A.
Protein change: p.Pro2114Thr; replaces proline 2114 with threonine.
Molecular consequence: missense variant.
Genome position (GRCh38, 1-based): chr13:32,340,695, C>A. VCF-style: chr13-32340695-C-A. GRCh37 (hg19) VCF-style: chr13-32914832-C-A.
Other names: short protein forms P2114T.
Identifiers: ClinVar variation 1699843 (VCV001699843.7), dbSNP rs2072552879, ClinGen allele CA387789102.